The following is an entry in ClinVar:

ClinVar aggregate classification (germline): Uncertain significance (1 of 4 stars; one submission).

Allele frequency attached by ClinVar (database versions not stated): gnomAD exomes below 0.00001; ExAC 0.00001.
gnomAD v4.1: 2 of 1,613,018 alleles (0.00012%); highest among the groups gnomAD compares: South Asian, 0.0011%; no homozygotes.

Submission:

Labcorp Genetics (formerly Invitae), Labcorp
Classification: Uncertain significance. Last evaluated: 2021-01-30. Review status: criteria provided, single submitter. Criteria: Invitae Variant Classification Sherloc (09022015). Collection method: clinical testing. Allele origin: germline.
Comment: In summary, the available evidence is currently insufficient to determine the role of this variant in disease. Therefore, it has been classified as a Variant of Uncertain Significance. This sequence change replaces serine with arginine at codon 1586 of the CCDC88A protein (p.Ser1586Arg). The serine residue is moderately conserved and there is a moderate physicochemical difference between serine and arginine. This variant is present in population databases (rs745524381, ExAC 0.006%). This variant has not been reported in the literature in individuals with CCDC88A-related conditions. Algorithms developed to predict the effect of missense changes on protein structure and function are either unavailable or do not agree on the potential impact of this missense change (SIFT: "Deleterious"; PolyPhen-2: "Probably Damaging"; Align-GVGD: "Class C0").

NM_001365480.1(CCDC88A):c.4761C>G (p.Ser1587Arg)

Gene: CCDC88A (coiled-coil and HOOK domain protein 88A; minus strand). Cytogenetic location: 2p16.1.
Variant type: single nucleotide variant.
Coding change: c.4761C>G on transcript NM_001365480.1 (MANE Select); coding-DNA position 4761, C replaced by G.
Protein change: p.Ser1587Arg; replaces serine 1587 with arginine.
Molecular consequence: missense variant.
Genome position (GRCh38, 1-based): chr2:55,299,903, G>C on the plus strand (C>G on the coding strand, the complement: CCDC88A is on the minus strand). VCF-style: chr2-55299903-G-C. GRCh37 (hg19) VCF-style: chr2-55527039-G-C.
Other names: c.4758C>G, p.Ser1586Arg (NM_001135597.2, NM_001254943.2); c.4677C>G, p.Ser1559Arg (NM_018084.5); short protein forms S1559R, S1587R, S1586R.
Identifiers: ClinVar variation 1505708 (VCV001505708.8), dbSNP rs745524381, ClinGen allele CA1665481.